The following is an entry in ClinVar:

ClinVar aggregate classification (germline): Pathogenic (1 of 4 stars; one submission).

Conditions:
Gorlin syndrome. Also called: Nevoid Basal Cell Carcinoma Syndrome; Basal cell nevus syndrome. Identifiers: Orphanet 377, MedGen C0004779, MONDO:0007187.

Submission:

Labcorp Genetics (formerly Invitae), Labcorp
Classification: Pathogenic for Gorlin syndrome. Last evaluated: 2025-02-10. Review status: criteria provided, single submitter. Criteria: Invitae Variant Classification Sherloc (09022015). Collection method: clinical testing. Allele origin: germline.
Comment: This sequence change creates a premature translational stop signal (p.Gln409*) in the PTCH1 gene. It is expected to result in an absent or disrupted protein product. Loss-of-function variants in PTCH1 are known to be pathogenic (PMID: 16301862, 16419085). This variant is not present in population databases (gnomAD no frequency). This variant has not been reported in the literature in individuals affected with PTCH1-related conditions. ClinVar contains an entry for this variant (Variation ID: 656716). For these reasons, this variant has been classified as Pathogenic.

Literature cited by the submitters: PubMed 16301862; PubMed 16419085.

NM_000264.5(PTCH1):c.1225C>T (p.Gln409Ter)

Gene: PTCH1 (patched 1; minus strand). Cytogenetic location: 9q22.32.
Variant type: single nucleotide variant.
Coding change: c.1225C>T on transcript NM_000264.5 (MANE Select); coding-DNA position 1225, C replaced by T.
Protein change: p.Gln409Ter; replaces glutamine 409 with a stop codon.
Molecular consequence: nonsense. On other transcripts: non-coding transcript variant (1).
Genome position (GRCh38, 1-based): chr9:95,478,177, G>A on the plus strand (C>T on the coding strand, the complement: PTCH1 is on the minus strand). VCF-style: chr9-95478177-G-A. GRCh37 (hg19) VCF-style: chr9-98240459-G-A.
Other names: c.1027C>T, p.Gln343Ter (NM_001083602.3); c.1222C>T, p.Gln408Ter (NM_001083603.3); c.772C>T, p.Gln258Ter (NM_001083604.3, NM_001083605.3, NM_001083606.3 and 1 more transcripts); c.1225C>T, p.Gln409Ter (NM_001354918.2); short protein forms Q343*, Q409*, Q258*, Q408*.
Identifiers: ClinVar variation 656716 (VCV000656716.7), dbSNP rs1588603014, ClinGen allele CA374118982.